The following is an entry in ClinVar:

ClinVar aggregate classification (germline): Uncertain significance (1 of 4 stars; one submission).

Conditions:
Rhabdoid tumor predisposition syndrome 2 (RTPS2). Identifiers: Orphanet 231108, Orphanet 69077, MedGen C2750074, MONDO:0013224, OMIM 613325.

Submission:

Labcorp Genetics (formerly Invitae), Labcorp
Classification: Uncertain significance for Rhabdoid tumor predisposition syndrome 2. Last evaluated: 2021-02-21. Review status: criteria provided, single submitter. Criteria: Invitae Variant Classification Sherloc (09022015). Collection method: clinical testing. Allele origin: germline.
Comment: In summary, the available evidence is currently insufficient to determine the role of this variant in disease. Therefore, it has been classified as a Variant of Uncertain Significance. This sequence change replaces alanine with proline at codon 1480 of the SMARCA4 protein (p.Ala1480Pro). The alanine residue is highly conserved and there is a small physicochemical difference between alanine and proline. This variant is not present in population databases (ExAC no frequency). This variant has not been reported in the literature in individuals with SMARCA4-related conditions. Algorithms developed to predict the effect of missense changes on protein structure and function are either unavailable or do not agree on the potential impact of this missense change (SIFT: "Deleterious"; PolyPhen-2: "Possibly Damaging"; Align-GVGD: "Class C0").

NM_003072.5(SMARCA4):c.4342G>C (p.Ala1448Pro)

Gene: SMARCA4 (SWI/SNF related BAF chromatin remodeling complex subunit ATPase 4; plus strand). Cytogenetic location: 19p13.2.
Variant type: single nucleotide variant.
Coding change: c.4342G>C on transcript NM_003072.5 (MANE Select); coding-DNA position 4342, G replaced by C.
Protein change: p.Ala1448Pro; replaces alanine 1448 with proline.
Molecular consequence: missense variant. On other transcripts: non-coding transcript variant (1).
Genome position (GRCh38, 1-based): chr19:11,041,478, G>C. VCF-style: chr19-11041478-G-C. GRCh37 (hg19) VCF-style: chr19-11152154-G-C.
Other names: c.4342G>C, p.Ala1448Pro (NM_001128844.3); c.4252G>C, p.Ala1418Pro (NM_001128845.2, NM_001128846.2); c.4243G>C, p.Ala1415Pro (NM_001128847.4, NM_001128848.2, NM_001374457.1); c.4438G>C, p.Ala1480Pro (NM_001128849.3, NM_001387283.1); short protein forms A1415P, A1418P, A1448P, A1480P.
Identifiers: ClinVar variation 1512512 (VCV001512512.8), dbSNP rs761338885, ClinGen allele CA404073920.